The following is an entry in ClinVar:

NM_001035.3(RYR2):c.9800C>T (p.Ala3267Val)

Gene: RYR2 (ryanodine receptor 2; plus strand). Cytogenetic location: 1q43.
Variant type: single nucleotide variant.
Coding change: c.9800C>T on transcript NM_001035.3 (MANE Select); coding-DNA position 9800, C replaced by T.
Protein change: p.Ala3267Val; replaces alanine 3267 with valine.
Molecular consequence: missense variant.
Genome position (GRCh38, 1-based): chr1:237,707,168, C>T. VCF-style: chr1-237707168-C-T. GRCh37 (hg19) VCF-style: chr1-237870468-C-T.
Other names: short protein forms A3267V.
Identifiers: ClinVar variation 1378937 (VCV001378937.7), dbSNP rs2149059247, ClinGen allele CA345409050.

ClinVar aggregate classification (germline): Uncertain significance (1 of 4 stars; one submission).

Conditions:
Catecholaminergic polymorphic ventricular tachycardia 1. Also called: RYR2-Related Catecholaminergic Polymorphic Ventricular Tachycardia; VENTRICULAR TACHYCARDIA, CATECHOLAMINERGIC POLYMORPHIC, 1, WITH OR WITHOUT ATRIAL DYSFUNCTION AND/OR DILATED CARDIOMYOPATHY; VENTRICULAR TACHYCARDIA, STRESS-INDUCED POLYMORPHIC 1. Identifiers: Orphanet 3286, MedGen C1631597, MONDO:0011484, OMIM 604772.

gnomAD v4.1: 1 of 1,613,252 alleles (0.000062%); highest among the groups gnomAD compares: Non-Finnish European, 0.000085%; no homozygotes.

Submission:

Labcorp Genetics (formerly Invitae), Labcorp
Classification: Uncertain significance for Catecholaminergic polymorphic ventricular tachycardia 1. Last evaluated: 2022-12-31. Review status: criteria provided, single submitter. Criteria: Invitae Variant Classification Sherloc (09022015). Collection method: clinical testing. Allele origin: germline.
Comment: Advanced modeling of protein sequence and biophysical properties (such as structural, functional, and spatial information, amino acid conservation, physicochemical variation, residue mobility, and thermodynamic stability) performed at Invitae indicates that this missense variant is not expected to disrupt RYR2 protein function. In summary, the available evidence is currently insufficient to determine the role of this variant in disease. Therefore, it has been classified as a Variant of Uncertain Significance. ClinVar contains an entry for this variant (Variation ID: 1378937). This variant has not been reported in the literature in individuals affected with RYR2-related conditions. This variant is not present in population databases (gnomAD no frequency). This sequence change replaces alanine, which is neutral and non-polar, with valine, which is neutral and non-polar, at codon 3267 of the RYR2 protein (p.Ala3267Val).